The following is an entry in ClinVar:

ClinVar aggregate classification (germline): Uncertain significance (1 of 4 stars; one submission).

Conditions:
FG syndrome (FGS). Identifiers: MedGen C0220769, MONDO:0002010.

Submission:

Labcorp Genetics (formerly Invitae), Labcorp
Classification: Uncertain significance for FG syndrome. Last evaluated: 2026-01-04. Review status: criteria provided, single submitter. Criteria: Invitae Variant Classification Sherloc (09022015). Collection method: clinical testing. Allele origin: germline.
Comment: This variant, c.6191_6192insACAGCA, results in the insertion of 2 amino acid(s) of the MED12 protein (p.Gln2075_Gln2076dup), but otherwise preserves the integrity of the reading frame. This variant is not present in population databases (gnomAD no frequency). This variant has not been reported in the literature in individuals affected with MED12-related conditions. In summary, the available evidence is currently insufficient to determine the role of this variant in disease. Therefore, it has been classified as a Variant of Uncertain Significance.

NM_005120.3(MED12):c.6191_6192insACAGCA (p.Gln2076_Tyr2077insGlnGln)

Gene: MED12 (mediator complex subunit 12; plus strand). Cytogenetic location: Xq13.1.
Variant type: Insertion.
Coding change: c.6191_6192insACAGCA on transcript NM_005120.3 (MANE Select); coding-DNA positions 6191 to 6192, ACAGCA inserted.
Protein change: p.Gln2076_Tyr2077insGlnGln.
Molecular consequence: inframe insertion.
Genome position: GRCh38 VCF-style: chrX-71140776-G-GCAGCAA. GRCh37 (hg19) VCF-style: chrX-70360626-G-GCAGCAA.
Identifiers: ClinVar variation 4736929 (VCV004736929.1).